The following is an entry in ClinVar:

NM_022124.6(CDH23):c.2330C>A (p.Thr777Lys)

Gene: CDH23 (cadherin related 23; plus strand). Cytogenetic location: 10q22.1.
Variant type: single nucleotide variant.
Coding change: c.2330C>A on transcript NM_022124.6 (MANE Select); coding-DNA position 2330, C replaced by A.
Protein change: p.Thr777Lys; replaces threonine 777 with lysine.
Molecular consequence: missense variant.
Genome position (GRCh38, 1-based): chr10:71,695,458, C>A. VCF-style: chr10-71695458-C-A. GRCh37 (hg19) VCF-style: chr10-73455215-C-A.
Other names: c.2330C>A, p.Thr777Lys (NM_001171930.2, NM_001171931.2); short protein forms T777K.
Identifiers: ClinVar variation 45894 (VCV000045894.13), dbSNP rs199709482, ClinGen allele CA137322.
Genomic context (GRCh38, chr10:71,695,458, plus strand): 5'-CGCCCCTTATGGCTTCACAGGTAAACATCACCCTCCTGGACATCAATGACAACCACCCCA[C>A]GTGGAAGGACGCACCCTACTACATCAACCTGGTGGAGATGACCCCTCCAGACTCTGATGT-3'
Protein context (NP_071407.4, residues 767-787): TLLDINDNHP[Thr777Lys]WKDAPYYINL

ClinVar aggregate classification (germline): Uncertain significance. Review status: criteria provided, multiple submitters, no conflicts (2 of 4 stars). 6 submissions from 6 submitters: Uncertain significance (5). 1 of the submissions does not count toward it. Last evaluated 2025-12-02.

Conditions:
Usher syndrome type 1 (USH1). Also called: RETINITIS PIGMENTOSA AND CONGENITAL DEAFNESS. Identifiers: Orphanet 231169, Orphanet 886, MedGen C1568247, MONDO:0010168, OMIM 276900.

Allele frequency attached by ClinVar (database versions not stated): TOPMed 0.00003.
gnomAD v4.1: 35 of 1,613,480 alleles (0.0022%); highest among the groups gnomAD compares: Middle Eastern, 0.12%; no homozygotes.

Submissions (6):

Women's Health and Genetics/Laboratory Corporation of America, LabCorp
Classification: Uncertain significance. Last evaluated: 2025-12-02. Review status: criteria provided, single submitter. Criteria: LabCorp Variant Classification Summary - May 2015. Collection method: clinical testing. Allele origin: germline.
Comment: Variant summary: CDH23 c.2330C>A (p.Thr777Lys) results in a non-conservative amino acid change in the encoded protein sequence. Algorithms developed to predict the effect of missense changes on protein structure and function are either unavailable or do not agree on the potential impact of this missense change. The variant allele was found at a frequency of 5.2e-05 in 249254 control chromosomes. This frequency is not significantly higher than estimated for disease-causing variants in CDH23, allowing no conclusion about variant significance. c.2330C>A has been observed in individual(s) affected with Usher Syndrome (example: Bonnet_2016). These report(s) do not provide unequivocal conclusions about association of the variant with Usher Syndrome. To our knowledge, no experimental evidence demonstrating an impact on protein function has been reported. The following publication has been ascertained in the context of this evaluation (PMID: 27460420). ClinVar contains an entry for this variant (Variation ID: 45894). Based on the evidence outlined above, the variant was classified as uncertain significance.

Dasa
Classification: Uncertain significance. Last evaluated: 2025-08-17. Review status: criteria provided, single submitter. Criteria: DASA Assertion Criteria. Collection method: clinical testing. Allele origin: germline.
Comment: NM_022124.6(CDH23):c.2330C>A (p.Thr777Lys) is a missense variant that results in the substitution of threonine with lysine. This variant has been observed in affected individuals with CDH23-related disorders. Also, this variant is rare in population databases. Computational prediction algorithms are consistent with a benign effect. The currently available literature and clinical evidence are not sufficient to establish a definitive association between this variant and the reported condition. Therefore, this variant is classified as a variant of uncertain significance.

Labcorp Genetics (formerly Invitae), Labcorp
Classification: Uncertain significance. Last evaluated: 2023-12-11. Review status: criteria provided, single submitter. Criteria: Invitae Variant Classification Sherloc (09022015). Collection method: clinical testing. Allele origin: germline.
Comment: This sequence change replaces threonine, which is neutral and polar, with lysine, which is basic and polar, at codon 777 of the CDH23 protein (p.Thr777Lys). This variant is present in population databases (rs199709482, gnomAD 0.02%). This missense change has been observed in individual(s) with clinical features of Usher syndrome (PMID: 27460420). ClinVar contains an entry for this variant (Variation ID: 45894). Advanced modeling of protein sequence and biophysical properties (such as structural, functional, and spatial information, amino acid conservation, physicochemical variation, residue mobility, and thermodynamic stability) performed at Invitae indicates that this missense variant is not expected to disrupt CDH23 protein function with a negative predictive value of 95%. In summary, the available evidence is currently insufficient to determine the role of this variant in disease. Therefore, it has been classified as a Variant of Uncertain Significance.

Laboratory for Molecular Medicine, Mass General Brigham Personalized Medicine
Classification: Uncertain significance. Last evaluated: 2022-06-23. Review status: criteria provided, single submitter. Criteria: ACMG Guidelines, 2015. Collection method: clinical testing. Allele origin: germline.
Comment: The p.Thr777Lys variant in CDH23 has not been reported in the literature nor previously identified by our laboratory. Computational analyses (biochemical amino acid properties, conservation, AlignGVGD, PolyPhen2, and SIFT) do not provide strong support for or against an impact to the protein. This variant has been identified in 0.1% (3/4182) of African American chromosomes in a broad population by the NHLBI Exome sequencing project. Although this variant has been seen in the general population, its frequency is not high enough to rule out a pathogenic role. In summary, the clinical significance of the p.Thr777Lys variant is uncertain.

GeneDx
Classification: Uncertain significance. Last evaluated: 2018-05-21. Review status: criteria provided, single submitter. Criteria: GeneDx Variant Classification (06012015). Collection method: clinical testing. Allele origin: germline. Affected: yes.
Comment: The T777K variant in the CDH23 gene has been reported previously with a second CDH23 variant in a patient with Usher syndrome type 1, however, additional clinical and familial segregation information was not included (Bonnet et al., 2016). The T777K variant is observed in 5/30,782 (0.016%) alleles from individuals of South Asian background in large population cohorts (Lek et al., 2016). The T777K variant is a semi-conservative amino acid substitution, which may impact secondary protein structure as these residues differ in some properties. In-silico analyses, including protein predictors and evolutionary conservation, support that this variant does not alter protein structure/function. We interpret T777K as a variant of uncertain significance.

Natera, Inc.
Classification: Uncertain significance for Usher syndrome type 1. Last evaluated: 2020-09-16. Review status: no assertion criteria provided. Collection method: clinical testing. Allele origin: germline. Not counted in ClinVar's aggregate classification.

Literature cited by the submitters: PubMed 27460420 (cited by Women's Health and Genetics/Laboratory Corporation of America, LabCorp and Labcorp Genetics (formerly Invitae), Labcorp).